The following is an entry in ClinVar:

NM_001267550.2(TTN):c.107680G>A (p.Gly35894Arg)

Genes: TTN (titin; minus strand), TTN-AS1 (TTN antisense RNA 1; plus strand). Cytogenetic location: 2q31.2.
Variant type: single nucleotide variant.
Coding change: c.107680G>A on transcript NM_001267550.2 (MANE Select); coding-DNA position 107680, G replaced by A.
Protein change: p.Gly35894Arg; replaces glycine 35894 with arginine.
Molecular consequence: missense variant.
Genome position (GRCh38, 1-based): chr2:178,527,446, C>T on the plus strand (G>A on the coding strand, the complement: TTN is on the minus strand). VCF-style: chr2-178527446-C-T. GRCh37 (hg19) VCF-style: chr2-179392173-C-T.
Other names: c.102757G>A, p.Gly34253Arg (NM_001256850.1); c.80485G>A, p.Gly26829Arg (NM_003319.4); c.99976G>A, p.Gly33326Arg (NM_133378.4); c.80860G>A, p.Gly26954Arg (NM_133432.3); c.81061G>A, p.Gly27021Arg (NM_133437.4); short protein forms G26829R, G26954R, G27021R, G33326R, G34253R, G35894R.
Identifiers: ClinVar variation 4855386 (VCV004855386.1).

ClinVar aggregate classification (germline): Uncertain significance (1 of 4 stars; one submission).

Conditions:
Autosomal recessive limb-girdle muscular dystrophy type 2J (LGMDR10). Also called: MUSCULAR DYSTROPHY, LIMB-GIRDLE, AUTOSOMAL RECESSIVE 10; Limb-girdle muscular dystrophy, type 2J. Identifiers: Orphanet 140922, MedGen C1837342, MONDO:0012127, OMIM 608807.

Submission:

3billion
Classification: Uncertain significance for Autosomal recessive limb-girdle muscular dystrophy type 2J. Last evaluated: 2025-08-08. Review status: criteria provided, single submitter. Criteria: ACMG Guidelines, 2015. Collection method: clinical testing. Allele origin: germline. Affected: yes.
Comment: The variant is not observed in the gnomAD v4.1.0 dataset. Predicted Consequence/Location: Missense variant predicted to alter splicing. The majority of the known disease-causing variants of this gene are variants expected to result in premature termination of the protein. In silico tools predict the variant to alter splicing and produce an abnormal transcript [SpliceAI: 0.69 (>=0.2, moderate evidence for spliceogenicity)]. Therefore, this variant is classified as VUS according to the recommendation of ACMG/AMP guideline.